The following is an entry in ClinVar:

NC_000023.10:g.(?_106871839)_(106893282_?)dup

Gene: PRPS1 (phosphoribosyl pyrophosphate synthetase 1; plus strand). Cytogenetic location: Xq22.3.
Variant type: Duplication.
Identifiers: ClinVar variation 583439 (VCV000583439.1).

ClinVar aggregate classification (germline): Uncertain significance (1 of 4 stars; one submission).

Conditions:
Charcot-Marie-Tooth Neuropathy X. Identifiers: MedGen CN118851.

Submission:

Labcorp Genetics (formerly Invitae), Labcorp
Classification: Uncertain significance for Charcot-Marie-Tooth Neuropathy X. Last evaluated: 2018-04-05. Review status: criteria provided, single submitter. Criteria: Invitae Variant Classification Sherloc (09022015). Collection method: clinical testing. Allele origin: germline.
Comment: This variant results in a copy number gain of the genomic region encompassing the full coding sequence of the PRPS1 gene. The boundaries of this event are unknown as they extend beyond the assayed region for this gene and therefore may encompass additional genes. As the precise location of this event is unknown, it may be in tandem or it may be located elsewhere in the genome. This variant has not been reported in the literature in individuals with PRPS1-related disease. However, phosphoribosylpyrophosphate synthetase (PRS) catalytic superactivity has been determined to be caused by gain-of-function variants in PRPS1 (PMID: 8702702, 20301734). In summary, the available evidence is currently insufficient to determine the role of this variant in disease. Therefore, it has been classified as a Variant of Uncertain Significance.

Literature cited by the submitters: PubMed 8702702; PubMed 20301734.